The following is an entry in ClinVar:

NM_170707.4(LMNA):c.1943T>A (p.Leu648Gln)

Gene: LMNA (lamin A/C; plus strand). Cytogenetic location: 1q22.
Variant type: single nucleotide variant.
Coding change: c.1943T>A on transcript NM_170707.4 (MANE Select); coding-DNA position 1943, T replaced by A.
Protein change: p.Leu648Gln; replaces leucine 648 with glutamine.
Molecular consequence: missense variant. On other transcripts: intron variant (1).
Genome position (GRCh38, 1-based): chr1:156,138,732, T>A. VCF-style: chr1-156138732-T-A. GRCh37 (hg19) VCF-style: chr1-156108523-T-A.
Other names: c.1607T>A, p.Leu536Gln (NM_001257374.3, NM_001406989.1); c.1943T>A, p.Leu648Gln (NM_001406983.1, NM_001406985.1, NM_001406991.1); c.1700T>A, p.Leu567Gln (NM_001406986.1, NM_001406987.1); c.1646T>A, p.Leu549Gln (NM_001406988.1); c.1385T>A, p.Leu462Gln (NM_001406990.1, NM_001406993.1, NM_001406995.1 and 2 more transcripts); c.1319T>A, p.Leu440Gln (NM_001406994.1, NM_001406999.1, NM_001407000.1 and 1 more transcripts); c.1853T>A, p.Leu618Gln (NM_170708.4); c.1818+125T>A (NM_001282626.2); short protein forms L440Q, L462Q, L536Q, L549Q, L567Q, L618Q, L648Q.
Identifiers: ClinVar variation 3387017 (VCV003387017.1).

ClinVar aggregate classification (germline): Uncertain significance (1 of 4 stars; one submission).

Conditions:
Primary dilated cardiomyopathy (DCM). Also called: Dilated Cardiomyopathy. Identifiers: Orphanet 217604, MedGen C0007193, MeSH D002311, MONDO:0005021, HP:0001644. Inheritance: Various modes of inheritance.

Submission:

All of Us Research Program, National Institutes of Health
Classification: Uncertain significance for Primary dilated cardiomyopathy. Last evaluated: 2024-05-14. Review status: criteria provided, single submitter. Criteria: ACMG Guidelines, 2015. Collection method: clinical testing. Allele origin: germline. Inheritance: Autosomal dominant inheritance. Observed: 1 variant allele, 1 heterozygote.
Comment: This missense variant replaces leucine with glutamine at codon 648 of the LMNA protein. Computational prediction is inconclusive regarding the impact of this variant on protein structure and function (internally defined REVEL score threshold 0.5 < inconclusive < 0.7, PMID: 27666373). To our knowledge, functional studies have not been reported for this variant. This variant has not been reported in individuals affected with LMNA-related disorders in the literature. This variant has not been identified in the general population by the Genome Aggregation Database (gnomAD). The available evidence is insufficient to determine the role of this variant in disease conclusively. Therefore, this variant is classified as a Variant of Uncertain Significance.

This study involves interpretation of variants in research participants for the purpose of population health screening. Participant phenotype was not available at the time of variant classification. Additional details can be found in publication PMID: 35346344, PMCID: PMC8962531